The following is an entry in ClinVar:

NM_023110.3(FGFR1):c.91+6G>T

Gene: FGFR1 (fibroblast growth factor receptor 1; minus strand). Cytogenetic location: 8p11.23.
Variant type: single nucleotide variant.
Coding change: c.91+6G>T on transcript NM_023110.3 (MANE Select); 6 bases into the intron after coding-DNA position 91, G replaced by T.
Molecular consequence: intron variant.
Genome position (GRCh38, 1-based): chr8:38,457,350, C>A on the plus strand (G>T on the coding strand, the complement: FGFR1 is on the minus strand). VCF-style: chr8-38457350-C-A. GRCh37 (hg19) VCF-style: chr8-38314868-C-A.
Other names: c.91+6G>T (NM_001354368.2, NM_001354370.2, NM_023106.3 and 7 more transcripts); c.-2+6G>T (NM_001174064.2); c.190+6G>T (NM_001174067.2).
Identifiers: ClinVar variation 362910 (VCV000362910.13), dbSNP rs886062921, ClinGen allele CA10630972.
Genomic context (GRCh38, chr8:38,457,350, plus strand): 5'-CCTCCCTCCCAGCCCATCCTGTTCCCAAGGCCCAGGAGTCCAGGCTGCCCCCAGCCAGCA[C>A]CTTACCTTGTTCAGGCAAGGTCGGGGACGGCCTAGCGGTGCAGAGTGTGGCTGTGACCAG-3'

ClinVar aggregate classification (germline): Uncertain significance. Review status: criteria provided, multiple submitters, no conflicts (2 of 4 stars). 5 submissions from 2 submitters: Uncertain significance (5). Last evaluated 2019-02-18.

Conditions:
Trigonocephaly 1 (TRIGNO1). Identifiers: Orphanet 3366, MedGen C0432122, MONDO:0008603, OMIM 190440.
Craniosynostosis syndrome. Also called: Craniosynostosis. Identifiers: Orphanet 1531, MedGen C0010278, MeSH D003398, MONDO:0015469, HP:0001363.
Hartsfield-Bixler-Demyer syndrome (HRTFDS). Also called: Holoprosencephaly, ectrodactyly, and bilateral cleft lip/palate; Hartsfield syndrome; FGFR1-Related Hartsfield Syndrome. Identifiers: Orphanet 2117, MedGen C1845146, MONDO:0014196, OMIM 615465. Disease mechanism: loss of function.
Osteoglophonic dysplasia (OGD). Also called: Osteoglophonic dwarfism. Identifiers: Orphanet 2645, MedGen C0432283, MONDO:0008150, OMIM 166250.
Hypogonadotropic hypogonadism 2 with or without anosmia (HH2). Also called: HYPOGONADOTROPIC HYPOGONADISM 2 WITH OR WITHOUT ANOSMIA, SUSCEPTIBILITY TO; HYPOGONADOTROPIC HYPOGONADISM 2 WITHOUT ANOSMIA, SUSCEPTIBILITY TO; FGFR1-Related GnRH Deficiency (Kallmann Syndrome 2); HYPOGONADOTROPIC HYPOGONADISM 2 WITHOUT ANOSMIA. Identifiers: Orphanet 478, MedGen C1563720, MONDO:0007844, OMIM 147950. Disease mechanism: loss of function.
Pfeiffer syndrome (ACS5). Also called: ACS V. Identifiers: Orphanet 710, MedGen C0220658, MONDO:0007043, OMIM 101600.

Allele frequency attached by ClinVar (database versions not stated): gnomAD 0.00001; gnomAD exomes 0.00001; TOPMed 0.00001.
gnomAD v4.1: 22 of 1,612,058 alleles (0.0014%); highest among the groups gnomAD compares: Admixed American, 0.005%; no homozygotes.

Submissions (5):

Labcorp Genetics (formerly Invitae), Labcorp
Classification: Uncertain significance for Pfeiffer syndrome; Hypogonadotropic hypogonadism 2 with or without anosmia. Last evaluated: 2019-02-18. Review status: criteria provided, single submitter. Criteria: Invitae Variant Classification Sherloc (09022015). Collection method: clinical testing. Allele origin: germline.
Comment: In summary, the available evidence is currently insufficient to determine the role of this variant in disease. Therefore, it has been classified as a Variant of Uncertain Significance. Nucleotide substitutions within the consensus splice site are a relatively common cause of aberrant splicing (PMID: 17576681, 9536098). Algorithms developed to predict the effect of sequence changes on RNA splicing suggest that this variant is not likely to affect RNA splicing, but this prediction has not been confirmed by published transcriptional studies. This variant has not been reported in the literature in individuals with FGFR1-related conditions. ClinVar contains an entry for this variant (Variation ID: 362910). This variant is not present in population databases (ExAC no frequency). This sequence change falls in intron 2 of the FGFR1 gene. It does not directly change the encoded amino acid sequence of the FGFR1 protein, but it affects a nucleotide within the consensus splice site of the intron.

Illumina Laboratory Services, Illumina
Classification: Uncertain significance for Osteoglophonic dysplasia. Last evaluated: 2018-01-12. Review status: criteria provided, single submitter. Criteria: ICSL Variant Classification Criteria 13 December 2019. Collection method: clinical testing. Allele origin: germline.

Illumina Laboratory Services, Illumina
Classification: Uncertain significance for Trigonocephaly 1. Last evaluated: 2018-01-12. Review status: criteria provided, single submitter. Criteria: ICSL Variant Classification Criteria 13 December 2019. Collection method: clinical testing. Allele origin: germline.

Illumina Laboratory Services, Illumina
Classification: Uncertain significance for Hypogonadotropic hypogonadism 2 with or without anosmia. Last evaluated: 2018-01-12. Review status: criteria provided, single submitter. Criteria: ICSL Variant Classification Criteria 13 December 2019. Collection method: clinical testing. Allele origin: germline.

Illumina Laboratory Services, Illumina
Classification: Uncertain significance for Craniosynostosis. Last evaluated: 2018-01-12. Review status: criteria provided, single submitter. Criteria: ICSL Variant Classification Criteria 13 December 2019. Collection method: clinical testing. Allele origin: germline.

Literature cited by the submitters: PubMed 17576681 (cited by Labcorp Genetics (formerly Invitae), Labcorp); PubMed 9536098 (cited by Labcorp Genetics (formerly Invitae), Labcorp).